The following is an entry in ClinVar:

ClinVar aggregate classification (germline): Uncertain significance. Review status: criteria provided, multiple submitters, no conflicts (2 of 4 stars). 3 submissions from 3 submitters: Uncertain significance (3). Last evaluated 2025-09-03.

Conditions:
Plasminogen deficiency, type I. Also called: Type 1 plasminogen deficiency; Hypoplasminogenemia. Identifiers: Orphanet 722, MedGen C1968804, MONDO:0009009, OMIM 217090.
Angioedema, hereditary, 4. Identifiers: MedGen C5543503, MONDO:0025712, OMIM 619360.
Inborn genetic diseases. Identifiers: MedGen C0950123, MeSH D030342.

gnomAD v4.1: 7 of 1,613,098 alleles (0.00043%); highest among the groups gnomAD compares: Admixed American, 0.0067%; no homozygotes.

Submissions (3):

Labcorp Genetics (formerly Invitae), Labcorp
Classification: Uncertain significance. Last evaluated: 2025-09-03. Review status: criteria provided, single submitter. Criteria: Invitae Variant Classification Sherloc (09022015). Collection method: clinical testing. Allele origin: germline.
Comment: This sequence change replaces tyrosine, which is neutral and polar, with phenylalanine, which is neutral and non-polar, at codon 99 of the PLG protein (p.Tyr99Phe). This variant is present in population databases (rs759510598, gnomAD 0.009%). This variant has not been reported in the literature in individuals affected with PLG-related conditions. ClinVar contains an entry for this variant (Variation ID: 3593298). Invitae Evidence Modeling of protein sequence and biophysical properties (such as structural, functional, and spatial information, amino acid conservation, physicochemical variation, residue mobility, and thermodynamic stability) indicates that this missense variant is not expected to disrupt PLG protein function with a negative predictive value of 95%. In summary, the available evidence is currently insufficient to determine the role of this variant in disease. Therefore, it has been classified as a Variant of Uncertain Significance.

Ambry Genetics
Classification: Uncertain significance for Inborn genetic diseases. Last evaluated: 2025-02-13. Review status: criteria provided, single submitter. Criteria: Ambry Variant Classification Scheme 2023. Collection method: clinical testing. Allele origin: germline.

Fulgent Genetics
Classification: Uncertain significance for Plasminogen deficiency, type I; Angioedema, hereditary, 4. Last evaluated: 2024-05-16. Review status: criteria provided, single submitter. Criteria: ACMG Guidelines, 2015. Collection method: clinical testing. Allele origin: germline.

NM_000301.5(PLG):c.296A>T (p.Tyr99Phe)

Gene: PLG (plasminogen; plus strand). Cytogenetic location: 6q26.
Variant type: single nucleotide variant.
Coding change: c.296A>T on transcript NM_000301.5 (MANE Select); coding-DNA position 296, A replaced by T.
Protein change: p.Tyr99Phe; replaces tyrosine 99 with phenylalanine.
Molecular consequence: missense variant.
Genome position (GRCh38, 1-based): chr6:160,711,080, A>T. VCF-style: chr6-160711080-A-T. GRCh37 (hg19) VCF-style: chr6-161132112-A-T.
Other names: c.296A>T, p.Tyr99Phe (NM_001168338.1); short protein forms Y99F.
Identifiers: ClinVar variation 3593298 (VCV003593298.3).